The following is an entry in ClinVar:

NM_001203.3(BMPR1B):c.247G>A (p.Asp83Asn)

Gene: BMPR1B (bone morphogenetic protein receptor type 1B; plus strand). Cytogenetic location: 4q22.3.
Variant type: single nucleotide variant.
Coding change: c.247G>A on transcript NM_001203.3 (MANE Select); coding-DNA position 247, G replaced by A.
Protein change: p.Asp83Asn; replaces aspartic acid 83 with asparagine.
Molecular consequence: missense variant.
Genome position (GRCh38, 1-based): chr4:95,115,685, G>A. VCF-style: chr4-95115685-G-A. GRCh37 (hg19) VCF-style: chr4-96036836-G-A.
Other names: c.247G>A, p.Asp83Asn (NM_001256792.2, NM_001256794.1); c.337G>A, p.Asp113Asn (NM_001256793.2); short protein forms D113N, D83N.
Identifiers: ClinVar variation 2059485 (VCV002059485.4), dbSNP rs369807264, ClinGen allele CA102313714.

ClinVar aggregate classification (germline): Uncertain significance (1 of 4 stars; one submission).

Conditions:
Type A2 brachydactyly (BDA2). Also called: MOHR-WRIEDT TYPE BRACHYDACTYLY; Brachymesophalangy type 2; BRACHYMESOPHALANGY II. Identifiers: Orphanet 93396, MedGen C1832702, MONDO:0007216, OMIM 112600, HP:0009372.
Acromesomelic dysplasia 3 (AMD3). Also called: Acromesomelic dysplasia, Demirhan type; CHONDRODYSPLASIA, ACROMESOMELIC, WITH OR WITHOUT GENITAL ANOMALIES. Identifiers: MedGen C4225404, MONDO:0012274, OMIM 609441.

gnomAD v4.1: 10 of 1,612,336 alleles (0.00062%); highest among the groups gnomAD compares: Admixed American, 0.0017%; no homozygotes.

Submission:

Labcorp Genetics (formerly Invitae), Labcorp
Classification: Uncertain significance for Type A2 brachydactyly; Acromesomelic dysplasia 3. Last evaluated: 2024-03-28. Review status: criteria provided, single submitter. Criteria: Invitae Variant Classification Sherloc (09022015). Collection method: clinical testing. Allele origin: germline.
Comment: This sequence change replaces aspartic acid, which is acidic and polar, with asparagine, which is neutral and polar, at codon 83 of the BMPR1B protein (p.Asp83Asn). This variant is present in population databases (rs369807264, gnomAD 0.01%). This variant has not been reported in the literature in individuals affected with BMPR1B-related conditions. ClinVar contains an entry for this variant (Variation ID: 2059485). An algorithm developed to predict the effect of missense changes on protein structure and function (PolyPhen-2) suggests that this variant is likely to be disruptive. In summary, the available evidence is currently insufficient to determine the role of this variant in disease. Therefore, it has been classified as a Variant of Uncertain Significance.